The following is an entry in ClinVar:

ClinVar aggregate classification (germline): Uncertain significance. Review status: criteria provided, multiple submitters, no conflicts (2 of 4 stars). 2 submissions from 2 submitters: Uncertain significance (2). Last evaluated 2025-12-29.

Conditions:
Inborn genetic diseases. Identifiers: MedGen C0950123, MeSH D030342.
Acute myeloid leukemia (AML). Also called: Leukemia, acute myeloid, somatic; Leukemia, acute myelogenous, somatic; Acute myeloid leukemia, adult; AML adult; Acute non-lymphocytic leukemia; Acute granulocytic leukemia. Identifiers: Orphanet 519, MedGen C0023467, MeSH D015470, MONDO:0018874, OMIM 601626, HP:0004808. Disease mechanism: Constitutively activated FLT3.

Allele frequency attached by ClinVar (database versions not stated): gnomAD exomes 0.00001.

Submissions (2):

Ambry Genetics
Classification: Uncertain significance for Inborn genetic diseases. Last evaluated: 2025-12-29. Review status: criteria provided, single submitter. Criteria: Ambry Variant Classification Scheme 2023. Collection method: clinical testing. Allele origin: germline.
Comment: The p.T98M variant (also known as c.293C>T), located in coding exon 1 of the CEBPA gene, results from a C to T substitution at nucleotide position 293. The threonine at codon 98 is replaced by methionine, an amino acid with similar properties. This amino acid position is conserved. In addition, this alteration is predicted to be tolerated by in silico analysis. Based on the available evidence, the clinical significance of this variant remains unclear.

Labcorp Genetics (formerly Invitae), Labcorp
Classification: Uncertain significance for Acute myeloid leukemia. Last evaluated: 2023-08-04. Review status: criteria provided, single submitter. Criteria: Invitae Variant Classification Sherloc (09022015). Collection method: clinical testing. Allele origin: germline.
Comment: ClinVar contains an entry for this variant (Variation ID: 580934). This variant has not been reported in the literature in individuals affected with CEBPA-related conditions. This variant is not present in population databases (gnomAD no frequency). This sequence change replaces threonine, which is neutral and polar, with methionine, which is neutral and non-polar, at codon 98 of the CEBPA protein (p.Thr98Met). In summary, the available evidence is currently insufficient to determine the role of this variant in disease. Therefore, it has been classified as a Variant of Uncertain Significance. An algorithm developed to predict the effect of missense changes on protein structure and function (PolyPhen-2) suggests that this variant is likely to be tolerated.

NM_004364.5(CEBPA):c.293C>T (p.Thr98Met)

Gene: CEBPA (CCAAT enhancer binding protein alpha; minus strand). Cytogenetic location: 19q13.11.
Variant type: single nucleotide variant.
Coding change: c.293C>T on transcript NM_004364.5 (MANE Select); coding-DNA position 293, C replaced by T.
Protein change: p.Thr98Met; replaces threonine 98 with methionine.
Molecular consequence: missense variant. On other transcripts: 5 prime UTR variant (1).
Genome position (GRCh38, 1-based): chr19:33,302,122, G>A on the plus strand (C>T on the coding strand, the complement: CEBPA is on the minus strand). VCF-style: chr19-33302122-G-A. GRCh37 (hg19) VCF-style: chr19-33793028-G-A.
Other names: c.-65C>T (NM_001285829.2); c.398C>T, p.Thr133Met (NM_001287424.2); c.251C>T, p.Thr84Met (NM_001287435.2); c.293C>T (NM_004364.3); short protein forms T98M, T133M, T84M.
Identifiers: ClinVar variation 580934 (VCV000580934.12), dbSNP rs1490895935, ClinGen allele CA405275252.